The following is an entry in ClinVar:

NM_025114.4(CEP290):c.4322C>G (p.Ser1441Ter)

Gene: CEP290 (centrosomal protein 290; minus strand). Cytogenetic location: 12q21.32.
Variant type: single nucleotide variant.
Coding change: c.4322C>G on transcript NM_025114.4 (MANE Select); coding-DNA position 4322, C replaced by G.
Protein change: p.Ser1441Ter; replaces serine 1441 with a stop codon.
Molecular consequence: nonsense.
Genome position (GRCh38, 1-based): chr12:88,086,154, G>C on the plus strand (C>G on the coding strand, the complement: CEP290 is on the minus strand). VCF-style: chr12-88086154-G-C. GRCh37 (hg19) VCF-style: chr12-88479931-G-C.
Other names: short protein forms S1441*.
Identifiers: ClinVar variation 2952569 (VCV002952569.3), dbSNP rs2500011110, ClinGen allele CA385996773.

ClinVar aggregate classification (germline): Pathogenic (1 of 4 stars; one submission).

Conditions:
Joubert syndrome. Also called: CEREBELLOPARENCHYMAL DISORDER IV; JOUBERT-BOLTSHAUSER SYNDROME; Familial aplasia of the vermis. Identifiers: Orphanet 475, MedGen C5979921, MONDO:0018772.
Nephronophthisis. Also called: Juvenile Nephronophthisis. Identifiers: Orphanet 655, MedGen C0687120, MONDO:0019005, HP:0000090.
Meckel-Gruber syndrome. Also called: DYSENCEPHALIA SPLANCHNOCYSTICA; GRUBER SYNDROME; Dysencephalia splachnocystica. Identifiers: Orphanet 564, MedGen C0265215, MONDO:0018921.

Submission:

Labcorp Genetics (formerly Invitae), Labcorp
Classification: Pathogenic for Joubert syndrome; Meckel-Gruber syndrome; Nephronophthisis. Last evaluated: 2023-10-20. Review status: criteria provided, single submitter. Criteria: Invitae Variant Classification Sherloc (09022015). Collection method: clinical testing. Allele origin: germline.
Comment: This sequence change creates a premature translational stop signal (p.Ser1441*) in the CEP290 gene. It is expected to result in an absent or disrupted protein product. Loss-of-function variants in CEP290 are known to be pathogenic (PMID: 16909394, 17345604, 20690115). This variant is not present in population databases (gnomAD no frequency). This variant has not been reported in the literature in individuals affected with CEP290-related conditions. For these reasons, this variant has been classified as Pathogenic.

Literature cited by the submitters: PubMed 16909394; PubMed 17345604; PubMed 20690115.